The following is an entry in ClinVar:

NM_000075.4(CDK4):c.50A>G (p.Tyr17Cys)

Gene: CDK4 (cyclin dependent kinase 4; minus strand). Cytogenetic location: 12q14.1.
Variant type: single nucleotide variant.
Coding change: c.50A>G on transcript NM_000075.4 (MANE Select); coding-DNA position 50, A replaced by G.
Protein change: p.Tyr17Cys; replaces tyrosine 17 with cysteine.
Molecular consequence: missense variant.
Genome position (GRCh38, 1-based): chr12:57,751,668, T>C on the plus strand (A>G on the coding strand, the complement: CDK4 is on the minus strand). VCF-style: chr12-57751668-T-C. GRCh37 (hg19) VCF-style: chr12-58145451-T-C.
Other names: c.50A>G (NM_000075.3); short protein forms Y17C.
Identifiers: ClinVar variation 1431408 (VCV001431408.9), dbSNP rs781527596, ClinGen allele CA6657889.

ClinVar aggregate classification (germline): Uncertain significance. Review status: criteria provided, multiple submitters, no conflicts (2 of 4 stars). 2 submissions from 2 submitters: Uncertain significance (2). Last evaluated 2025-04-30.

Conditions:
Hereditary cancer-predisposing syndrome. Also called: Hereditary Cancer Syndrome; Hereditary neoplastic syndrome; Neoplastic Syndromes, Hereditary; Tumor predisposition. Identifiers: Orphanet 140162, MedGen C0027672, MeSH D009386, MONDO:0015356.
Familial melanoma. Also called: Hereditary melanoma; Hereditary cutaneous melanoma. Identifiers: Orphanet 618, MedGen C1512419, MONDO:0018961.

Allele frequency attached by ClinVar (database versions not stated): gnomAD exomes below 0.00001; ExAC 0.00001.
gnomAD v4.1: 2 of 1,614,014 alleles (0.00012%); highest among the groups gnomAD compares: Non-Finnish European, 0.00017%; no homozygotes.

Submissions (2):

Ambry Genetics
Classification: Uncertain significance for Hereditary cancer-predisposing syndrome. Last evaluated: 2025-04-30. Review status: criteria provided, single submitter. Criteria: Ambry Variant Classification Scheme 2023. Collection method: clinical testing. Allele origin: germline.
Comment: The p.Y17C variant (also known as c.50A>G), located in coding exon 1 of the CDK4 gene, results from an A to G substitution at nucleotide position 50. The tyrosine at codon 17 is replaced by cysteine, an amino acid with highly dissimilar properties. This amino acid position is highly conserved in available vertebrate species. In addition, this alteration is predicted to be deleterious by in silico analysis. Based on the available evidence, the clinical significance of this variant remains unclear.

Labcorp Genetics (formerly Invitae), Labcorp
Classification: Uncertain significance for Familial melanoma. Last evaluated: 2024-09-23. Review status: criteria provided, single submitter. Criteria: Invitae Variant Classification Sherloc (09022015). Collection method: clinical testing. Allele origin: germline.
Comment: This sequence change replaces tyrosine, which is neutral and polar, with cysteine, which is neutral and slightly polar, at codon 17 of the CDK4 protein (p.Tyr17Cys). This variant is present in population databases (rs781527596, gnomAD 0.0009%). This variant has not been reported in the literature in individuals affected with CDK4-related conditions. ClinVar contains an entry for this variant (Variation ID: 1431408). Invitae Evidence Modeling of protein sequence and biophysical properties (such as structural, functional, and spatial information, amino acid conservation, physicochemical variation, residue mobility, and thermodynamic stability) indicates that this missense variant is expected to disrupt CDK4 protein function with a positive predictive value of 95%. In summary, the available evidence is currently insufficient to determine the role of this variant in disease. Therefore, it has been classified as a Variant of Uncertain Significance.